The following is an entry in ClinVar:

NM_005419.4(STAT2):c.1694A>G (p.His565Arg)

Gene: STAT2 (signal transducer and activator of transcription 2; minus strand). Cytogenetic location: 12q13.3.
Variant type: single nucleotide variant.
Coding change: c.1694A>G on transcript NM_005419.4 (MANE Select); coding-DNA position 1694, A replaced by G.
Protein change: p.His565Arg; replaces histidine 565 with arginine.
Molecular consequence: missense variant.
Genome position (GRCh38, 1-based): chr12:56,348,559, T>C on the plus strand (A>G on the coding strand, the complement: STAT2 is on the minus strand). VCF-style: chr12-56348559-T-C. GRCh37 (hg19) VCF-style: chr12-56742343-T-C.
Other names: c.1661A>G, p.His554Arg (NM_001385110.1); c.1595A>G, p.His532Arg (NM_001385111.1); c.1694A>G, p.His565Arg (NM_001385113.1); c.1673A>G, p.His558Arg (NM_001385114.1); c.1652A>G, p.His551Arg (NM_001385115.1); c.1682A>G, p.His561Arg (NM_198332.2); short protein forms H551R, H532R, H558R, H565R, H554R, H561R.
Identifiers: ClinVar variation 2079859 (VCV002079859.4), dbSNP rs1877904633, ClinGen allele CA385260276.

ClinVar aggregate classification (germline): Uncertain significance (1 of 4 stars; one submission).

Conditions:
Primary immunodeficiency with post-measles-mumps-rubella vaccine viral infection. Also called: Immunodeficiency 44. Identifiers: Orphanet 431166, MedGen C4225260, MONDO:0014715, OMIM 616636.

Allele frequency attached by ClinVar (database versions not stated): TOPMed 0.00001.
gnomAD v4.1: 1 of 1,614,152 alleles (0.000062%); highest among the groups gnomAD compares: South Asian, 0.0011%; no homozygotes.

Submission:

Labcorp Genetics (formerly Invitae), Labcorp
Classification: Uncertain significance for Primary immunodeficiency with post-measles-mumps-rubella vaccine viral infection. Last evaluated: 2025-04-14. Review status: criteria provided, single submitter. Criteria: Invitae Variant Classification Sherloc (09022015). Collection method: clinical testing. Allele origin: germline.
Comment: This sequence change replaces histidine, which is basic and polar, with arginine, which is basic and polar, at codon 565 of the STAT2 protein (p.His565Arg). This variant is not present in population databases (gnomAD no frequency). This variant has not been reported in the literature in individuals affected with STAT2-related conditions. ClinVar contains an entry for this variant (Variation ID: 2079859). Invitae Evidence Modeling of protein sequence and biophysical properties (such as structural, functional, and spatial information, amino acid conservation, physicochemical variation, residue mobility, and thermodynamic stability) indicates that this missense variant is not expected to disrupt STAT2 protein function with a negative predictive value of 80%. Algorithms developed to predict the effect of sequence changes on RNA splicing suggest that this variant may create or strengthen a splice site. In summary, the available evidence is currently insufficient to determine the role of this variant in disease. Therefore, it has been classified as a Variant of Uncertain Significance.